The following is an entry in ClinVar:

NM_004836.7(EIF2AK3):c.3104G>T (p.Arg1035Ile)

Genes: EIF2AK3 (eukaryotic translation initiation factor 2 alpha kinase 3; minus strand), EIF2AK3-AS1 (EIF2AK3 antisense RNA 1; plus strand). Cytogenetic location: 2p11.2.
Variant type: single nucleotide variant.
Coding change: c.3104G>T on transcript NM_004836.7 (MANE Select); coding-DNA position 3104, G replaced by T.
Protein change: p.Arg1035Ile; replaces arginine 1035 with isoleucine.
Molecular consequence: missense variant.
Genome position (GRCh38, 1-based): chr2:88,558,963, C>A on the plus strand (G>T on the coding strand, the complement: EIF2AK3 is on the minus strand). VCF-style: chr2-88558963-C-A. GRCh37 (hg19) VCF-style: chr2-88858481-C-A.
Other names: c.2651G>T, p.Arg884Ile (NM_001313915.2); short protein forms R1035I, R884I.
Identifiers: ClinVar variation 1522353 (VCV001522353.5), dbSNP rs146129461, ClinGen allele CA51470957.

ClinVar aggregate classification (germline): Uncertain significance (1 of 4 stars; one submission).

Allele frequency attached by ClinVar (database versions not stated): TOPMed below 0.00001; gnomAD 0.00001; ESP Exome Variant Server 0.00008.
gnomAD v4.1: 3 of 1,596,788 alleles (0.00019%); highest among the groups gnomAD compares: African/African-American, 0.0027%; no homozygotes.

Submission:

Labcorp Genetics (formerly Invitae), Labcorp
Classification: Uncertain significance. Last evaluated: 2022-02-19. Review status: criteria provided, single submitter. Criteria: Invitae Variant Classification Sherloc (09022015). Collection method: clinical testing. Allele origin: germline.
Comment: This sequence change replaces arginine, which is basic and polar, with isoleucine, which is neutral and non-polar, at codon 1035 of the EIF2AK3 protein (p.Arg1035Ile). This variant is present in population databases (rs146129461, gnomAD 0.004%). This variant has not been reported in the literature in individuals affected with EIF2AK3-related conditions. Algorithms developed to predict the effect of missense changes on protein structure and function are either unavailable or do not agree on the potential impact of this missense change (SIFT: "Deleterious"; PolyPhen-2: "Probably Damaging"; Align-GVGD: "Class C0"). In summary, the available evidence is currently insufficient to determine the role of this variant in disease. Therefore, it has been classified as a Variant of Uncertain Significance.